The following is an entry in ClinVar:

ClinVar aggregate classification (germline): Likely benign (1 of 4 stars; one submission).

Allele frequency attached by ClinVar (database versions not stated): 1000 Genomes Project 0.00060; 1000 Genomes Project 30x 0.00062; ExAC 0.00195; gnomAD 0.00203; TOPMed 0.00227; ESP Exome Variant Server 0.00323.
gnomAD v4.1: 4,316 of 1,597,696 alleles (0.27%); highest among the groups gnomAD compares: Non-Finnish European, 0.33%; 15 homozygotes.

Submission:

CeGaT Center for Human Genetics Tuebingen
Classification: Likely benign. Last evaluated: 2023-01-01. Review status: criteria provided, single submitter. Criteria: CeGaT Center For Human Genetics Tuebingen Variant Classification Criteria Version 2. Collection method: clinical testing. Allele origin: germline. Affected: yes. Observed: 1 variant allele.
Comment: ERO1B: BS2

NM_019891.4(ERO1B):c.189A>C (p.Lys63Asn)

Gene: ERO1B (endoplasmic reticulum oxidoreductase 1 beta; minus strand). Cytogenetic location: 1q42.3.
Variant type: single nucleotide variant.
Coding change: c.189A>C on transcript NM_019891.4 (MANE Select); coding-DNA position 189, A replaced by C.
Protein change: p.Lys63Asn; replaces lysine 63 with asparagine.
Molecular consequence: missense variant.
Genome position (GRCh38, 1-based): chr1:236,269,908, T>G on the plus strand (A>C on the coding strand, the complement: ERO1B is on the minus strand). VCF-style: chr1-236269908-T-G. GRCh37 (hg19) VCF-style: chr1-236433208-T-G.
Other names: short protein forms K63N.
Identifiers: ClinVar variation 2640103 (VCV002640103.24), dbSNP rs35648587, ClinGen allele CA1469843.